The following is an entry in ClinVar:

ClinVar aggregate classification (germline): Uncertain significance (1 of 4 stars; one submission).

Conditions:
Hereditary cancer-predisposing syndrome. Also called: Neoplastic Syndromes, Hereditary; Tumor predisposition; Hereditary Cancer Syndrome; Hereditary neoplastic syndrome. Identifiers: Orphanet 140162, MedGen C0027672, MeSH D009386, MONDO:0015356.

Submission:

Color Diagnostics, LLC DBA Color Health
Classification: Uncertain significance for Hereditary cancer-predisposing syndrome. Last evaluated: 2024-04-15. Review status: criteria provided, single submitter. Criteria: ACMG Guidelines, 2015. Collection method: clinical testing. Allele origin: germline.
Comment: This missense variant replaces lysine with glutamic acid at codon 693 of the BARD1 protein. Computational prediction suggests that this variant may not impact protein structure and function (internally defined REVEL score threshold <= 0.5, PMID: 27666373). To our knowledge, functional studies have not been reported for this variant. This variant has not been reported in individuals affected with BARD1-related disorders in the literature. This variant has not been identified in the general population by the Genome Aggregation Database (gnomAD). The available evidence is insufficient to determine the role of this variant in disease conclusively. Therefore, this variant is classified as a Variant of Uncertain Significance.

NM_000465.4(BARD1):c.2077A>G (p.Lys693Glu)

Gene: BARD1 (BRCA1 associated RING domain 1; minus strand). Cytogenetic location: 2q35.
Variant type: single nucleotide variant.
Coding change: c.2077A>G on transcript NM_000465.4 (MANE Select); coding-DNA position 2077, A replaced by G.
Protein change: p.Lys693Glu; replaces lysine 693 with glutamic acid.
Molecular consequence: missense variant. On other transcripts: non-coding transcript variant (3).
Genome position (GRCh38, 1-based): chr2:214,728,933, T>C on the plus strand (A>G on the coding strand, the complement: BARD1 is on the minus strand). VCF-style: chr2-214728933-T-C. GRCh37 (hg19) VCF-style: chr2-215593657-T-C.
Other names: c.2020A>G, p.Lys674Glu (NM_001282543.2); c.724A>G, p.Lys242Glu (NM_001282545.2); c.667A>G, p.Lys223Glu (NM_001282548.2); c.538A>G, p.Lys180Glu (NM_001282549.2); short protein forms K180E, K223E, K242E, K674E, K693E.
Identifiers: ClinVar variation 3893780 (VCV003893780.1).